The following is an entry in ClinVar:

NM_004385.5(VCAN):c.5338A>T (p.Thr1780Ser)

Genes: VCAN (versican; plus strand), VCAN-AS1 (VCAN antisense RNA 1; minus strand). Cytogenetic location: 5q14.3.
Variant type: single nucleotide variant.
Coding change: c.5338A>T on transcript NM_004385.5 (MANE Select); coding-DNA position 5338, A replaced by T.
Protein change: p.Thr1780Ser; replaces threonine 1780 with serine.
Molecular consequence: missense variant. On other transcripts: intron variant (2).
Genome position (GRCh38, 1-based): chr5:83,538,341, A>T. VCF-style: chr5-83538341-A-T. GRCh37 (hg19) VCF-style: chr5-82834160-A-T.
Other names: c.2377A>T, p.Thr793Ser (NM_001164097.2); c.4004-7196A>T (NM_001164098.2); c.1043-7196A>T (NM_001126336.3); short protein forms T1780S, T793S.
Identifiers: ClinVar variation 3008824 (VCV003008824.3), dbSNP rs2479107941, ClinGen allele CA360310192.

ClinVar aggregate classification (germline): Uncertain significance (1 of 4 stars; one submission).

Allele frequency attached by ClinVar (database versions not stated): gnomAD exomes below 0.00001.
gnomAD v4.1: 2 of 1,614,060 alleles (0.00012%); highest among the groups gnomAD compares: Non-Finnish European, 0.00017%; no homozygotes.

Submission:

Labcorp Genetics (formerly Invitae), Labcorp
Classification: Uncertain significance. Last evaluated: 2024-10-25. Review status: criteria provided, single submitter. Criteria: Invitae Variant Classification Sherloc (09022015). Collection method: clinical testing. Allele origin: germline.
Comment: This sequence change replaces threonine, which is neutral and polar, with serine, which is neutral and polar, at codon 1780 of the VCAN protein (p.Thr1780Ser). This variant is not present in population databases (gnomAD no frequency). This variant has not been reported in the literature in individuals affected with VCAN-related conditions. An algorithm developed to predict the effect of missense changes on protein structure and function (PolyPhen-2) suggests that this variant is likely to be tolerated. In summary, the available evidence is currently insufficient to determine the role of this variant in disease. Therefore, it has been classified as a Variant of Uncertain Significance.